The following is an entry in ClinVar:

NM_001365999.1(SZT2):c.8090G>C (p.Ser2697Thr)

Gene: SZT2 (SZT2 subunit of KICSTOR complex; plus strand). Cytogenetic location: 1p34.2.
Variant type: single nucleotide variant.
Coding change: c.8090G>C on transcript NM_001365999.1 (MANE Select); coding-DNA position 8090, G replaced by C.
Protein change: p.Ser2697Thr; replaces serine 2697 with threonine.
Molecular consequence: missense variant.
Genome position (GRCh38, 1-based): chr1:43,442,557, G>C. VCF-style: chr1-43442557-G-C. GRCh37 (hg19) VCF-style: chr1-43908228-G-C.
Other names: c.7919G>C, p.Ser2640Thr (NM_015284.4); short protein forms S2640T, S2697T.
Identifiers: ClinVar variation 851583 (VCV000851583.10), dbSNP rs763979827, ClinGen allele CA21648176.
Genomic context (GRCh38, chr1:43,442,557, plus strand): 5'-CGCTGGTTCGCCTGGTGCAGTGGCAGAATGCACGAGCCCATCTCATCTTCTGCCTACTCA[G>C]CCAGAAGCTTGGCCTCTTCCATCATTATGGCCAGTTGGACTTCCCCGTGCGAGATGAAAA-3'
Protein context (NP_001352928.1, residues 2687-2707): ARAHLIFCLL[Ser2697Thr]QKLGLFHHYG

ClinVar aggregate classification (germline): Uncertain significance. Review status: criteria provided, multiple submitters, no conflicts (2 of 4 stars). 2 submissions from 2 submitters: Uncertain significance (2). Last evaluated 2024-12-10.

Conditions:
Inborn genetic diseases. Identifiers: MedGen C0950123, MeSH D030342.

Allele frequency attached by ClinVar (database versions not stated): TOPMed below 0.00001; gnomAD exomes 0.00001.
gnomAD v4.1: 21 of 1,613,918 alleles (0.0013%); highest among the groups gnomAD compares: Non-Finnish European, 0.0017%; no homozygotes.

Submissions (2):

Ambry Genetics
Classification: Uncertain significance for Inborn genetic diseases. Last evaluated: 2024-12-10. Review status: criteria provided, single submitter. Criteria: Ambry Variant Classification Scheme 2023. Collection method: clinical testing. Allele origin: germline.

Labcorp Genetics (formerly Invitae), Labcorp
Classification: Uncertain significance. Last evaluated: 2019-03-23. Review status: criteria provided, single submitter. Criteria: Invitae Variant Classification Sherloc (09022015). Collection method: clinical testing. Allele origin: germline.
Comment: In summary, the available evidence is currently insufficient to determine the role of this variant in disease. Therefore, it has been classified as a Variant of Uncertain Significance. Algorithms developed to predict the effect of missense changes on protein structure and function are either unavailable or do not agree on the potential impact of this missense change (SIFT: "Tolerated"; PolyPhen-2: "Possibly Damaging"; Align-GVGD: "Class C0"). This variant has not been reported in the literature in individuals with SZT2-related conditions. This variant is not present in population databases (ExAC no frequency). This sequence change replaces serine with threonine at codon 2640 of the SZT2 protein (p.Ser2640Thr). The serine residue is highly conserved and there is a small physicochemical difference between serine and threonine.